The following is an entry in ClinVar:

NM_001282680.3(GAPVD1):c.357A>G (p.Lys119=)

Gene: GAPVD1 (GTPase activating protein and VPS9 domains 1; plus strand). Cytogenetic location: 9q33.3.
Variant type: single nucleotide variant.
Coding change: c.357A>G on transcript NM_001282680.3 (MANE Select); coding-DNA position 357, A replaced by G.
Protein change: p.Lys119=; no amino-acid change (lysine 119 retained).
Molecular consequence: synonymous variant. On other transcripts: non-coding transcript variant (2).
Genome position (GRCh38, 1-based): chr9:125,302,154, A>G. VCF-style: chr9-125302154-A-G. GRCh37 (hg19) VCF-style: chr9-128064433-A-G.
Other names: c.357A>G, p.Lys119= (NM_001282679.2, NM_001282681.3, NM_001330777.3 and 11 more transcripts).
Identifiers: ClinVar variation 3044084 (VCV003044084.2), dbSNP rs755810868, ClinGen allele CA199757852.

ClinVar aggregate classification (germline): Likely benign (0 of 4 stars; one submission).

Conditions:
GAPVD1-related disorder. Also called: GAPVD1-related condition.

Allele frequency attached by ClinVar (database versions not stated): gnomAD 0.00005; gnomAD exomes 0.00005; TOPMed 0.00005.
gnomAD v4.1: 90 of 1,613,896 alleles (0.0056%); highest among the groups gnomAD compares: Non-Finnish European, 0.0069%; no homozygotes.

Submission:

PreventionGenetics, part of Exact Sciences
Classification: Likely benign for GAPVD1-related condition. Last evaluated: 2019-06-07. Review status: no assertion criteria provided. Collection method: clinical testing. Allele origin: germline.
Comment: This variant is classified as likely benign based on ACMG/AMP sequence variant interpretation guidelines (Richards et al. 2015 PMID: 25741868, with internal and published modifications).